The following is an entry in ClinVar:

NM_025114.4(CEP290):c.2368-1G>T

Gene: CEP290 (centrosomal protein 290; minus strand). Cytogenetic location: 12q21.32.
Variant type: single nucleotide variant.
Coding change: c.2368-1G>T on transcript NM_025114.4 (MANE Select); the canonical splice acceptor site of the intron before coding-DNA position 2368, G replaced by T.
Molecular consequence: splice acceptor variant.
Genome position (GRCh38, 1-based): chr12:88,109,182, C>A on the plus strand (G>T on the coding strand, the complement: CEP290 is on the minus strand). VCF-style: chr12-88109182-C-A. GRCh37 (hg19) VCF-style: chr12-88502959-C-A.
Identifiers: ClinVar variation 1426451 (VCV001426451.6), dbSNP rs2137665576, ClinGen allele CA385973476.

ClinVar aggregate classification (germline): Pathogenic (1 of 4 stars; one submission).

Conditions:
Joubert syndrome. Also called: CEREBELLOPARENCHYMAL DISORDER IV; JOUBERT-BOLTSHAUSER SYNDROME; Familial aplasia of the vermis. Identifiers: Orphanet 475, MedGen C5979921, MONDO:0018772.
Nephronophthisis. Also called: Juvenile Nephronophthisis. Identifiers: Orphanet 655, MedGen C0687120, MONDO:0019005, HP:0000090.
Meckel-Gruber syndrome. Also called: DYSENCEPHALIA SPLANCHNOCYSTICA; GRUBER SYNDROME; Dysencephalia splachnocystica. Identifiers: Orphanet 564, MedGen C0265215, MONDO:0018921.

Allele frequency attached by ClinVar (database versions not stated): gnomAD exomes below 0.00001.
gnomAD v4.1: 1 of 1,018,472 alleles (0.000098%); no homozygotes.

Submission:

Labcorp Genetics (formerly Invitae), Labcorp
Classification: Pathogenic for Joubert syndrome; Meckel-Gruber syndrome; Nephronophthisis. Last evaluated: 2021-10-27. Review status: criteria provided, single submitter. Criteria: Invitae Variant Classification Sherloc (09022015). Collection method: clinical testing. Allele origin: germline.
Comment: For these reasons, this variant has been classified as Pathogenic. Algorithms developed to predict the effect of sequence changes on RNA splicing suggest that this variant may disrupt the consensus splice site. Disruption of this splice site has been observed in individual(s) with retinitis pigmentosa (PMID: 33576794). In at least one individual the data is consistent with the variant being in trans (on the opposite chromosome) from a pathogenic variant. This variant is not present in population databases (gnomAD no frequency). This sequence change affects an acceptor splice site in intron 22 of the CEP290 gene. It is expected to disrupt RNA splicing. Variants that disrupt the donor or acceptor splice site typically lead to a loss of protein function (PMID: 16199547), and loss-of-function variants in CEP290 are known to be pathogenic (PMID: 16909394, 17345604, 20690115).

Literature cited by the submitters: PubMed 33576794; PubMed 16199547; PubMed 16909394; PubMed 17345604; PubMed 20690115.